The following is an entry in ClinVar:

NM_003722.5(TP63):c.1031T>A (p.Ile344Asn)

Gene: TP63 (tumor protein p63; plus strand). Cytogenetic location: 3q28.
Variant type: single nucleotide variant.
Coding change: c.1031T>A on transcript NM_003722.5 (MANE Select); coding-DNA position 1031, T replaced by A.
Protein change: p.Ile344Asn; replaces isoleucine 344 with asparagine.
Molecular consequence: missense variant.
Genome position (GRCh38, 1-based): chr3:189,868,618, T>A. VCF-style: chr3-189868618-T-A. GRCh37 (hg19) VCF-style: chr3-189586407-T-A.
Other names: c.1031T>A, p.Ile344Asn (NM_001114978.2, NM_001114979.2, NM_001329144.2 and 1 more transcripts); c.749T>A, p.Ile250Asn (NM_001114980.2, NM_001114981.2, NM_001114982.2 and 2 more transcripts); c.494T>A, p.Ile165Asn (NM_001329146.2, NM_001329150.2); c.1025T>A, p.Ile342Asn (NM_001329964.2); short protein forms I165N, I250N, I342N, I344N.
Identifiers: ClinVar variation 4882160 (VCV004882160.2).
Genomic context (GRCh38, chr3:189,868,618, plus strand): 5'-TCCCCTTTATTCTAATTCCTAGTGGGCAAGTCCTGGGCCGACGCTGCTTTGAGGCCCGGA[T>A]CTGTGCTTGCCCAGGAAGAGACAGGAAGGCGGATGAAGATAGCATCAGAAAGCAGCAAGT-3'
Protein context (NP_003713.3, residues 334-354): VLGRRCFEAR[Ile344Asn]CACPGRDRKA

ClinVar aggregate classification (germline): Uncertain significance (1 of 4 stars; one submission).

Conditions:
Ectrodactyly, ectodermal dysplasia, and cleft lip-palate syndrome 3. Also called: Ectrodactyly, Ectodermal Dysplasia, Clefting Syndrome Type 3 (EEC3); Ectrodactyly, Ectodermal Dysplasia, Cleft Lip/Palate Syndrome 3 (EEC3); EEC SYNDROME 3; Ectrodactyly, Ectodermal Dysplasia, Clefting Syndrome. Identifiers: Orphanet 1896, MedGen C1858562, MONDO:0011428, OMIM 604292.

Submission:

Dasa
Classification: Uncertain significance for Ectrodactyly, ectodermal dysplasia, and cleft lip-palate syndrome 3. Last evaluated: 2025-07-18. Review status: criteria provided, single submitter. Criteria: DASA Assertion Criteria. Collection method: clinical testing. Allele origin: germline.
Comment: NM_003722.5(TP63):c.1031T>A (p.Ile344Asn) is a missense variant that results in the substitution of isoleucine with asparagine. The affected residue or protein region has prior evidence supporting clinical relevance. This variant is absent from population databases. Computational prediction algorithms are consistent with a deleterious effect. The currently available literature and clinical evidence are not sufficient to establish a definitive association between this variant and the reported condition. Therefore, this variant is classified as a variant of uncertain significance.